The following is an entry in ClinVar:

ClinVar aggregate classification (germline): Pathogenic. Review status: criteria provided, multiple submitters, no conflicts (2 of 4 stars). 2 submissions from 2 submitters: Pathogenic (2). Last evaluated 2020-07-02.

Conditions:
Levy-Hollister syndrome (LADD). Also called: LADD syndrome. Identifiers: Orphanet 2363, MedGen C0265269, MONDO:0007872.

Submissions (2):

Victorian Clinical Genetics Services, Murdoch Childrens Research Institute
Classification: Pathogenic for Levy-Hollister syndrome. Last evaluated: 2020-07-02. Review status: criteria provided, single submitter. Criteria: ACMG Guidelines, 2015. Collection method: clinical testing. Allele origin: germline. Inheritance: Autosomal dominant inheritance.
Comment: Based on the classification scheme VCGS_Germline_v1.3.3, this variant is classified as Pathogenic. Following criteria are met: 0102 - Loss of function is a known mechanism of disease in this gene and is associated with LADD syndrome. (I) 0107 - This gene is associated with autosomal dominant disease. (I) 0115 - Variants in this gene are known to have variable expressivity. Variable expressivity has been reported and it has been suggested that aplasia of lacrimal and salivary glands (ALSG) and LADD syndrome are part of the same phenotypic spectrum (PMID: 16630169, 26955834). (I) 201 - Variant is predicted to cause nonsense-mediated decay (NMD) and loss of protein (premature termination codon is located at least 54 nucleotides upstream of the final exon-exon junction). (SP) 0251 - This variant is heterozygous. (I) 0301 - Variant is absent from gnomAD (both v2 and v3). (SP) 0702 - Other NMD predicted variants comparable to the one identified in this case have strong previous evidence for pathogenicity. Other variants predicted to cause NMD have been reported as pathogenic in individuals with ALSG and LADD syndrome (ClinVar, PMID: 26955834). (SP) 0807 - This variant has no previous evidence of pathogenicity. (I) 0905 - No published segregation evidence has been identified for this variant. (I) 1007 - No published functional evidence has been identified for this variant. (I) 1208 - Inheritance information for this variant is not currently available in this individual. (I) Legend: (SP) - Supporting pathogenic, (I) - Information, (SB) - Supporting benign

Revvity Omics, Revvity
Classification: Pathogenic. Last evaluated: 2019-07-29. Review status: criteria provided, single submitter. Criteria: ACMG Guidelines, 2015. Collection method: clinical testing. Allele origin: germline.

Literature cited by the submitters: PubMed 16630169 (cited by Victorian Clinical Genetics Services, Murdoch Childrens Research Institute); PubMed 26955834 (cited by Victorian Clinical Genetics Services, Murdoch Childrens Research Institute).

NM_004465.2(FGF10):c.190G>T (p.Gly64Ter)

Gene: FGF10 (fibroblast growth factor 10; minus strand). Cytogenetic location: 5p12.
Variant type: single nucleotide variant.
Coding change: c.190G>T on transcript NM_004465.2 (MANE Select); coding-DNA position 190, G replaced by T.
Protein change: p.Gly64Ter; replaces glycine 64 with a stop codon.
Molecular consequence: nonsense.
Genome position (GRCh38, 1-based): chr5:44,388,493, C>A on the plus strand (G>T on the coding strand, the complement: FGF10 is on the minus strand). VCF-style: chr5-44388493-C-A. GRCh37 (hg19) VCF-style: chr5-44388595-C-A.
Other names: short protein forms G64*.
Identifiers: ClinVar variation 1322898 (VCV001322898.5), dbSNP rs1446723373, ClinGen allele CA359699486.